The following is an entry in ClinVar:

NM_006031.6(PCNT):c.102G>C (p.Ser34=)

Genes: PCNT (pericentrin; plus strand), LOC128092249 (uncharacterized LOC128092249; plus strand). Cytogenetic location: 21q22.3.
Variant type: single nucleotide variant.
Coding change: c.102G>C on transcript NM_006031.6 (MANE Select); coding-DNA position 102, G replaced by C.
Protein change: p.Ser34=; no amino-acid change (serine 34 retained).
Molecular consequence: synonymous variant. On other transcripts: missense variant (1), 5 prime UTR variant (1).
Genome position (GRCh38, 1-based): chr21:46,326,424, G>C. VCF-style: chr21-46326424-G-C. GRCh37 (hg19) VCF-style: chr21-47746338-G-C.
Other names: c.137G>C, p.Arg46Pro (NM_001414902.1); c.-253G>C (NM_001315529.2); c.102G>C (NM_006031.5); short protein forms R46P.
Identifiers: ClinVar variation 1978126 (VCV001978126.7), dbSNP rs372705970, ClinGen allele CA512744669.

ClinVar aggregate classification (germline): Likely benign. Review status: criteria provided, single submitter (1 of 4 stars). 2 submissions from 2 submitters: Likely benign (1). 1 of the submissions does not count toward it. Last evaluated 2023-12-20.

Conditions:
PCNT-related disorder. Also called: PCNT-related condition.

gnomAD v4.1: 8 of 1,614,092 alleles (0.0005%); highest among the groups gnomAD compares: Admixed American, 0.0017%; no homozygotes.

Submissions (2):

Labcorp Genetics (formerly Invitae), Labcorp
Classification: Likely benign. Last evaluated: 2023-12-20. Review status: criteria provided, single submitter. Criteria: Invitae Variant Classification Sherloc (09022015). Collection method: clinical testing. Allele origin: germline.

PreventionGenetics, part of Exact Sciences
Classification: Likely benign for PCNT-related condition. Last evaluated: 2021-10-15. Review status: no assertion criteria provided. Collection method: clinical testing. Allele origin: germline. Not counted in ClinVar's aggregate classification.
Comment: This variant is classified as likely benign based on ACMG/AMP sequence variant interpretation guidelines (Richards et al. 2015 PMID: 25741868, with internal and published modifications).